The following is an entry in ClinVar:

NM_001371986.1(UNC80):c.6475C>T (p.Arg2159Ter)

Gene: UNC80 (unc-80 subunit of NALCN channel complex; plus strand). Cytogenetic location: 2q34.
Variant type: single nucleotide variant.
Coding change: c.6475C>T on transcript NM_001371986.1 (MANE Select); coding-DNA position 6475, C replaced by T.
Protein change: p.Arg2159Ter; replaces arginine 2159 with a stop codon.
Molecular consequence: nonsense.
Genome position (GRCh38, 1-based): chr2:209,939,481, C>T. VCF-style: chr2-209939481-C-T. GRCh37 (hg19) VCF-style: chr2-210804205-C-T.
Other names: c.6277C>T, p.Arg2093Ter (NM_032504.2); c.6262C>T, p.Arg2088Ter (NM_182587.4); short protein forms R2093*, R2088*, R2159*.
Identifiers: ClinVar variation 2791845 (VCV002791845.4), dbSNP rs1350831870, ClinGen allele CA350771852.

ClinVar aggregate classification (germline): Pathogenic. Review status: criteria provided, multiple submitters, no conflicts (2 of 4 stars). 2 submissions from 2 submitters: Pathogenic (2). Last evaluated 2025-07-30.

Conditions:
Hypotonia, infantile, with psychomotor retardation and characteristic facies 2 (IHPRF2). Also called: UNC80 Deficiency. Identifiers: Orphanet 371364, Orphanet 700333, MedGen C4225203, MONDO:0014777, OMIM 616801.

Allele frequency attached by ClinVar (database versions not stated): gnomAD exomes below 0.00001.
gnomAD v4.1: 5 of 1,549,704 alleles (0.00032%); highest among the groups gnomAD compares: Non-Finnish European, 0.00044%; no homozygotes.

Submissions (2):

Women's Health and Genetics/Laboratory Corporation of America, LabCorp
Classification: Pathogenic for Hypotonia, infantile, with psychomotor retardation and characteristic facies 2. Last evaluated: 2025-07-30. Review status: criteria provided, single submitter. Criteria: LabCorp Variant Classification Summary - May 2015. Collection method: clinical testing. Allele origin: germline.
Comment: Variant summary: UNC80 c.6277C>T (p.Arg2093X) results in a premature termination codon, predicted to cause a truncation of the encoded protein or absence of the protein due to nonsense mediated decay, which are commonly known mechanisms for disease. The variant was absent in 155768 control chromosomes. To our knowledge, no occurrence of c.6277C>T in individuals affected with Infantile Hypotonia With Psychomotor Retardation And Characteristic Facies 2 and no experimental evidence demonstrating its impact on protein function have been reported. ClinVar contains an entry for this variant (Variation ID: 2791845). Based on the evidence outlined above, the variant was classified as pathogenic.

Labcorp Genetics (formerly Invitae), Labcorp
Classification: Pathogenic. Last evaluated: 2023-01-19. Review status: criteria provided, single submitter. Criteria: Invitae Variant Classification Sherloc (09022015). Collection method: clinical testing. Allele origin: germline.
Comment: For these reasons, this variant has been classified as Pathogenic. This variant has not been reported in the literature in individuals affected with UNC80-related conditions. This variant is not present in population databases (gnomAD no frequency). This sequence change creates a premature translational stop signal (p.Arg2093*) in the UNC80 gene. It is expected to result in an absent or disrupted protein product. Loss-of-function variants in UNC80 are known to be pathogenic (PMID: 26545877, 26708751, 26708753).

Literature cited by the submitters: PubMed 26545877 (cited by Labcorp Genetics (formerly Invitae), Labcorp); PubMed 26708751 (cited by Labcorp Genetics (formerly Invitae), Labcorp); PubMed 26708753 (cited by Labcorp Genetics (formerly Invitae), Labcorp).